The following is an entry in ClinVar:

NM_020975.6(RET):c.2454G>A (p.Glu818=)

Gene: RET (ret proto-oncogene; plus strand). Cytogenetic location: 10q11.21.
Variant type: single nucleotide variant.
Coding change: c.2454G>A on transcript NM_020975.6 (MANE Select); coding-DNA position 2454, G replaced by A.
Protein change: p.Glu818=; no amino-acid change (glutamic acid 818 retained).
Molecular consequence: synonymous variant.
Genome position (GRCh38, 1-based): chr10:43,119,592, G>A. VCF-style: chr10-43119592-G-A. GRCh37 (hg19) VCF-style: chr10-43615040-G-A.
Other names: c.2454G>A, p.Glu818= (NM_000323.2, NM_001406743.1, NM_001406744.1 and 4 more transcripts); c.1692G>A, p.Glu564= (NM_001355216.2); c.2325G>A, p.Glu775= (NM_001406761.1, NM_001406762.1, NM_001406764.1); c.2319G>A, p.Glu773= (NM_001406763.1, NM_001406765.1); c.2166G>A, p.Glu722= (NM_001406766.1, NM_001406767.1, NM_001406770.1); c.2190G>A, p.Glu730= (NM_001406768.1); c.2058G>A, p.Glu686= (NM_001406769.1, NM_001406772.1); c.2016G>A, p.Glu672= (NM_001406771.1, NM_001406773.1); and 10 more.
Identifiers: ClinVar variation 194426 (VCV000194426.18), dbSNP rs794727131, ClinGen allele CA008802.

ClinVar aggregate classification (germline): Conflicting classifications of pathogenicity. Review status: criteria provided, conflicting classifications (1 of 4 stars). 6 submissions from 6 submitters: Uncertain significance (2); Benign (1); Likely benign (3). Last evaluated 2025-02-27.

Conditions:
Hereditary cancer-predisposing syndrome. Also called: Tumor predisposition; Hereditary neoplastic syndrome; Neoplastic Syndromes, Hereditary; Hereditary Cancer Syndrome. Identifiers: Orphanet 140162, MedGen C0027672, MeSH D009386, MONDO:0015356.
Pheochromocytoma. Also called: MAX-Related Hereditary Paraganglioma-Pheochromocytoma Syndrome. Identifiers: Orphanet 29072, MedGen C0031511, MONDO:0008233, OMIM 171300, HP:0002666.
Hirschsprung disease, susceptibility to, 1 (HSCR1). Also called: RET-Related Hirschsprung Disease. Identifiers: Orphanet 388, MedGen C3888239, MONDO:0007723, OMIM 142623.
Familial medullary thyroid carcinoma (MTC). Also called: Thyroid cancer, familial medullary; MTC, familial; Familial Medullary Thyroid Carcinoma (FMTC). Identifiers: Orphanet 653, Orphanet 99361, MedGen C1833921, MONDO:0007958, OMIM 155240.
Congenital central hypoventilation. Also called: Congenital Central Hypoventilation Syndrome. Identifiers: Orphanet 661, Orphanet 99803, MedGen C1275808, MONDO:0800031. Disease mechanism: gain of function.
Multiple endocrine neoplasia type 2B. Also called: WAGENMANN-FROBOESE SYNDROME; MULTIPLE ENDOCRINE NEOPLASIA, TYPE III; MEN 2B; MUCOSAL NEUROMA SYNDROME; MULTIPLE ENDOCRINE NEOPLASIA, TYPE IIB; MEN IIB. Identifiers: Orphanet 247709, Orphanet 653, MedGen C0025269, MeSH D018814, MONDO:0008082, OMIM 162300.
Multiple endocrine neoplasia type 2A. Also called: MULTIPLE ENDOCRINE NEOPLASIA, TYPE IIA; PTC SYNDROME; SIPPLE SYNDROME; MEN 2A; MEN-2A syndrome; Pheochromocytoma and amyloid producing medullary thyroid carcinoma. Identifiers: Orphanet 247698, Orphanet 653, MedGen C0025268, MeSH D018813, MONDO:0008234, OMIM 171400.
Multiple endocrine neoplasia, type 2 (MEN2). Identifiers: Orphanet 653, MedGen C4048306, MONDO:0019003. Disease mechanism: gain of function.

Allele frequency attached by ClinVar (database versions not stated): TOPMed below 0.00001.
gnomAD v4.1: 2 of 1,612,206 alleles (0.00012%); highest among the groups gnomAD compares: Non-Finnish European, 0.00017%; no homozygotes.

Submissions (6):

Myriad Genetics, Inc.
Classification: Benign for Multiple endocrine neoplasia type 2A. Last evaluated: 2025-02-27. Review status: criteria provided, single submitter. Criteria: Myriad Autosomal Dominant, Autosomal Recessive and X-Linked Classification Criteria (2023). Collection method: clinical testing. Allele origin: unknown.
Comment: This variant is considered benign. This variant is a silent/synonymous amino acid change and it is not expected to impact splicing.

Labcorp Genetics (formerly Invitae), Labcorp
Classification: Likely benign for Multiple endocrine neoplasia, type 2. Last evaluated: 2024-04-24. Review status: criteria provided, single submitter. Criteria: Invitae Variant Classification Sherloc (09022015). Collection method: clinical testing. Allele origin: germline.

Ambry Genetics
Classification: Likely benign for Hereditary cancer-predisposing syndrome. Last evaluated: 2022-02-28. Review status: criteria provided, single submitter. Criteria: Ambry Variant Classification Scheme 2023. Collection method: clinical testing. Allele origin: germline.

Sema4
Classification: Likely benign for Hereditary cancer-predisposing syndrome. Last evaluated: 2021-07-21. Review status: criteria provided, single submitter. Criteria: Sema4 Curation Guidelines. Collection method: curation. Allele origin: germline.

Fulgent Genetics
Classification: Uncertain significance for Hirschsprung disease, susceptibility to, 1; Familial medullary thyroid carcinoma; Multiple endocrine neoplasia type 2B; Pheochromocytoma; Multiple endocrine neoplasia type 2A; Central hypoventilation syndrome, congenital, 1, with or without Hirschsprung disease. Last evaluated: 2018-10-31. Review status: criteria provided, single submitter. Criteria: ACMG Guidelines, 2015. Collection method: clinical testing. Allele origin: unknown.

Eurofins Ntd Llc (ga)
Classification: Uncertain significance. Last evaluated: 2017-06-23. Review status: criteria provided, single submitter. Criteria: EGL Classification Definitions 2015. Collection method: clinical testing. Allele origin: germline. Observed: 1 variant allele, 1 heterozygote.